The following is an entry in ClinVar:

ClinVar aggregate classification (germline): Benign. Review status: criteria provided, multiple submitters, no conflicts (2 of 4 stars). 14 submissions from 14 submitters: Benign (11). 3 of the submissions do not count toward it. Last evaluated 2026-02-04.

Conditions:
Cerebroretinal microangiopathy with calcifications and cysts 1 (CRMCC1). Identifiers: Orphanet 313838, MedGen C4552029, MONDO:0024564, OMIM 612199.
Dyskeratosis congenita. Identifiers: Orphanet 1775, MedGen C0265965, MONDO:0015780.

Allele frequency attached by ClinVar (database versions not stated): 1000 Genomes Project 30x 0.93254; 1000 Genomes Project 0.93730; TOPMed 0.93868; gnomAD 0.94552 and 0.94614; gnomAD exomes 0.94726 and 0.96395; ExAC 0.95074; ESP Exome Variant Server 0.95301.

Submissions (14):

Labcorp Genetics (formerly Invitae), Labcorp
Classification: Benign for Dyskeratosis congenita. Last evaluated: 2026-02-04. Review status: criteria provided, single submitter. Criteria: Invitae Variant Classification Sherloc (09022015). Collection method: clinical testing. Allele origin: germline.

ARUP Laboratories, Molecular Genetics and Genomics, ARUP Laboratories
Classification: Benign for Cerebroretinal microangiopathy with calcifications and cysts 1. Last evaluated: 2025-07-28. Review status: criteria provided, single submitter. Criteria: ARUP Molecular Germline Variant Investigation Process 2024. Collection method: clinical testing. Allele origin: germline.

Blueprint Genetics
Classification: Benign. Last evaluated: 2024-11-28. Review status: criteria provided, single submitter. Criteria: ACMG Guidelines, 2015. Collection method: clinical testing. Allele origin: germline.

Unidad de Genómica Garrahan, Hospital de Pediatría Garrahan
Classification: Benign. Last evaluated: 2024-01-24. Review status: criteria provided, single submitter. Criteria: ACMG Guidelines, 2015. Collection method: clinical testing. Allele origin: germline. Affected: no. Observed: 95 variant alleles.
Comment: This variant is classified as Benign based on local population frequency. This variant was detected in 100% of patients studied by a panel of primary immunodeficiencies. Number of patients: 95. Only high quality variants are reported.

Mayo Clinic Laboratories, Mayo Clinic
Classification: Benign. Last evaluated: 2022-03-24. Review status: criteria provided, single submitter. Criteria: ACMG Guidelines, 2015. Collection method: clinical testing. Allele origin: germline. Observed: 1,023 variant alleles.

Genome-Nilou Lab
Classification: Benign for Cerebroretinal microangiopathy with calcifications and cysts 1. Last evaluated: 2021-07-30. Review status: criteria provided, single submitter. Criteria: ACMG Guidelines, 2015. Collection method: clinical testing. Allele origin: germline. Affected: no.

GeneDx
Classification: Benign. Last evaluated: 2018-11-10. Review status: criteria provided, single submitter. Criteria: GeneDx Variant Classification Process June 2021. Collection method: clinical testing. Allele origin: germline. Affected: yes.

Illumina Laboratory Services, Illumina
Classification: Benign for Dyskeratosis congenita. Last evaluated: 2018-01-12. Review status: criteria provided, single submitter. Criteria: ICSL Variant Classification Criteria 13 December 2019. Collection method: clinical testing. Allele origin: germline.
Comment: This variant was observed in the ICSL laboratory as part of a predisposition screen in an ostensibly healthy population. It had not been previously curated by ICSL or reported in the Human Gene Mutation Database (HGMD: prior to June 1st, 2018), and was therefore a candidate for classification through an automated scoring system. Utilizing variant allele frequency, disease prevalence and penetrance estimates, and inheritance mode, an automated score was calculated to assess if this variant is too frequent to cause the disease. Based on the score and internal cut-off values, a variant classified as benign is not then subjected to further curation. The score for this variant resulted in a classification of benign for this disease.

Laboratory for Molecular Medicine, Mass General Brigham Personalized Medicine
Classification: Benign. Last evaluated: 2016-03-29. Review status: criteria provided, single submitter. Criteria: LMM Criteria. Collection method: clinical testing. Allele origin: germline.
Comment: Variant identified in a genome or exome case(s) and assessed due to predicted null impact of the variant or pathogenic assertions in the literature or databases. Disclaimer: This variant has not undergone full assessment. The following are preliminary notes: MAF

Breakthrough Genomics
Classification: Benign. Review status: criteria provided, single submitter. Criteria: ACMG Guidelines, 2015. Collection method: not provided. Allele origin: germline. Inheritance: Autosomal recessive inheritance. Affected: yes.

PreventionGenetics, part of Exact Sciences
Classification: Benign. Review status: criteria provided, single submitter. Criteria: ACMG Guidelines, 2015. Collection method: clinical testing. Allele origin: germline.

Diagnostic Laboratory, Department of Genetics, University Medical Center Groningen
Classification: Benign. Review status: no assertion criteria provided. Collection method: clinical testing. Allele origin: germline. Affected: yes. Study: VKGL Data-share Consensus. Not counted in ClinVar's aggregate classification.

Genetic Services Laboratory, University of Chicago
Classification: Likely benign for AllHighlyPenetrant. Review status: no assertion criteria provided. Collection method: clinical testing. Allele origin: germline. Inheritance: Autosomal recessive inheritance. Not counted in ClinVar's aggregate classification.
Comment: Likely benign based on allele frequency in 1000 Genomes Project or ESP global frequency and its presence in a patient with a rare or unrelated disease phenotype. NOT Sanger confirmed.

Joint Genome Diagnostic Labs from Nijmegen and Maastricht, Radboudumc and MUMC+
Classification: Benign. Review status: no assertion criteria provided. Collection method: clinical testing. Allele origin: germline. Affected: yes. Study: VKGL Data-share Consensus. Not counted in ClinVar's aggregate classification.

NM_025099.6(CTC1):c.2458A>G (p.Ile820Val)

Gene: CTC1 (CST telomere replication complex component 1; minus strand). Cytogenetic location: 17p13.1.
Variant type: single nucleotide variant.
Coding change: c.2458A>G on transcript NM_025099.6 (MANE Select); coding-DNA position 2458, A replaced by G.
Protein change: p.Ile820Val; replaces isoleucine 820 with valine.
Molecular consequence: missense variant. On other transcripts: non-coding transcript variant (1).
Genome position (GRCh38, 1-based): chr17:8,231,743, T>C on the plus strand (A>G on the coding strand, the complement: CTC1 is on the minus strand). VCF-style: chr17-8231743-T-C. GRCh37 (hg19) VCF-style: chr17-8135061-T-C.
Other names: short protein forms I820V.
Identifiers: ClinVar variation 128860 (VCV000128860.43), dbSNP rs3027238, ClinGen allele CA152513.